The following is an entry in ClinVar:

ClinVar aggregate classification (germline): Conflicting classifications of pathogenicity. Review status: criteria provided, conflicting classifications (1 of 4 stars). 9 submissions from 9 submitters: Uncertain significance (6); Likely benign (3). Last evaluated 2026-08-01.

Conditions:
Deafness. Identifiers: MedGen C0011053.
Inborn genetic diseases. Identifiers: MedGen C0950123, MeSH D030342.

Allele frequency attached by ClinVar (database versions not stated): ESP Exome Variant Server 0.00038; ExAC 0.00040; gnomAD exomes 0.00055 and 0.00102; 1000 Genomes Project 30x 0.00062; 1000 Genomes Project 0.00080; gnomAD 0.00081; TOPMed 0.00087.
gnomAD v4.1: 1,602 of 1,614,128 alleles (0.099%); highest among the groups gnomAD compares: Non-Finnish European, 0.12%; no homozygotes.

Submissions (9):

CeGaT Center for Human Genetics Tuebingen
Classification: Likely benign. Last evaluated: 2026-08-01. Review status: criteria provided, single submitter. Criteria: CeGaT Center For Human Genetics Tuebingen Variant Classification Criteria Version 2. Collection method: clinical testing. Allele origin: germline. Affected: yes. Observed: 2 variant alleles.
Comment: EPS8: BS1:Supporting

Mayo Clinic Laboratories, Mayo Clinic
Classification: Uncertain significance. Last evaluated: 2025-05-29. Review status: criteria provided, single submitter. Criteria: ACMG Guidelines, 2015. Collection method: clinical testing. Allele origin: germline. Observed: 1 variant allele.
Comment: BS1_supporting

Blueprint Genetics
Classification: Uncertain significance. Last evaluated: 2024-11-15. Review status: criteria provided, single submitter. Criteria: ACMG Guidelines, 2015. Collection method: clinical testing. Allele origin: germline.

Labcorp Genetics (formerly Invitae), Labcorp
Classification: Uncertain significance. Last evaluated: 2023-12-27. Review status: criteria provided, single submitter. Criteria: Invitae Variant Classification Sherloc (09022015). Collection method: clinical testing. Allele origin: germline.
Comment: This sequence change replaces phenylalanine, which is neutral and non-polar, with leucine, which is neutral and non-polar, at codon 444 of the EPS8 protein (p.Phe444Leu). This variant is present in population databases (rs139258361, gnomAD 0.1%), and has an allele count higher than expected for a pathogenic variant. This variant has not been reported in the literature in individuals affected with EPS8-related conditions. ClinVar contains an entry for this variant (Variation ID: 252629). Advanced modeling of protein sequence and biophysical properties (such as structural, functional, and spatial information, amino acid conservation, physicochemical variation, residue mobility, and thermodynamic stability) performed at Invitae indicates that this missense variant is not expected to disrupt EPS8 protein function with a negative predictive value of 80%. In summary, the available evidence is currently insufficient to determine the role of this variant in disease. Therefore, it has been classified as a Variant of Uncertain Significance.

Ambry Genetics
Classification: Uncertain significance for Inborn genetic diseases. Last evaluated: 2021-06-11. Review status: criteria provided, single submitter. Criteria: Ambry Variant Classification Scheme 2023. Collection method: clinical testing. Allele origin: germline.

GeneDx
Classification: Likely benign. Last evaluated: 2021-03-17. Review status: criteria provided, single submitter. Criteria: GeneDx Variant Classification Process June 2021. Collection method: clinical testing. Allele origin: germline. Affected: yes.

Laboratory for Molecular Medicine, Mass General Brigham Personalized Medicine
Classification: Likely benign. Last evaluated: 2018-10-29. Review status: criteria provided, single submitter. Criteria: LMM Criteria. Collection method: clinical testing. Allele origin: germline. Observed: 1 variant allele.
Comment: The p.Phe444Leu variant in EPS8 is classified as likely benign because it has be en identified in 0.1% (34/34404) of Latino chromosomes by gnomAD (.), and computational prediction tools and conservation analysi s suggest that this variant may not impact the protein. ACMG/AMP Criteria applie d: BS1_Supporting, BP4.

Eurofins Ntd Llc (ga)
Classification: Uncertain significance. Last evaluated: 2018-06-22. Review status: criteria provided, single submitter. Criteria: EGL ClinVar v180209 classification definitions. Collection method: clinical testing. Allele origin: germline. Observed: 1 variant allele, 1 heterozygote.

Genomic Diagnostic Laboratory, Division of Genomic Diagnostics, Children's Hospital of Philadelphia
Classification: Uncertain significance. Last evaluated: 2015-11-16. Review status: criteria provided, single submitter. Criteria: DGD Variant Analysis Guidelines. Collection method: clinical testing. Allele origin: unknown.

NM_004447.6(EPS8):c.1330T>C (p.Phe444Leu)

Gene: EPS8 (EGFR pathway substrate 8, signaling adaptor; minus strand). Cytogenetic location: 12p12.3.
Variant type: single nucleotide variant.
Coding change: c.1330T>C on transcript NM_004447.6 (MANE Select); coding-DNA position 1330, T replaced by C.
Protein change: p.Phe444Leu; replaces phenylalanine 444 with leucine.
Molecular consequence: missense variant.
Genome position (GRCh38, 1-based): chr12:15,650,927, A>G on the plus strand (T>C on the coding strand, the complement: EPS8 is on the minus strand). VCF-style: chr12-15650927-A-G. GRCh37 (hg19) VCF-style: chr12-15803861-A-G.
Other names: short protein forms F444L.
Identifiers: ClinVar variation 252629 (VCV000252629.40), dbSNP rs139258361, ClinGen allele CA6467597.